The following is an entry in ClinVar:

NM_002137.4(HNRNPA2B1):c.264+5_264+6dup

Gene: HNRNPA2B1 (heterogeneous nuclear ribonucleoprotein A2/B1; minus strand). Cytogenetic location: 7p15.2.
Variant type: Duplication.
Coding change: c.264+5_264+6dup on transcript NM_002137.4 (MANE Select); bases 5 to 6 of the intron after coding-DNA position 264, 2 bases duplicated (GC; older notation c.264+5_264+6dupGC).
Molecular consequence: intron variant.
Genome position (GRCh38, 1-based): chr7:26,197,309-26,197,310, GC duplicated on the plus strand (GC on the coding strand, the reverse complement: HNRNPA2B1 is on the minus strand). VCF-style (leftmost placement, unchanged base first): chr7-26197308-T-TGC. GRCh37 (hg19) VCF-style: chr7-26236928-T-TGC.
Other names: c.264+5_264+6dup (NM_001438578.1, NM_001438576.1, NM_001438575.1 and 4 more transcripts); c.300+5_300+6dup (NM_001438574.1, NM_001438573.1, NM_001438568.1 and 3 more transcripts); c.300+5_300+6dupGC (NM_031243.3).
Identifiers: ClinVar variation 3338897 (VCV003338897.1).

ClinVar aggregate classification (germline): Uncertain significance (1 of 4 stars; one submission).

Submission:

Women's Health and Genetics/Laboratory Corporation of America, LabCorp
Classification: Uncertain significance. Last evaluated: 2024-07-12. Review status: criteria provided, single submitter. Criteria: LabCorp Variant Classification Summary - May 2015. Collection method: clinical testing. Allele origin: germline.
Comment: Variant summary: HNRNPA2B1 c.300+5_300+6dupGC alters a non-conserved nucleotide located close to a canonical splice site and therefore could affect mRNA splicing, leading to a significantly altered protein sequence. Consensus agreement among computation tools predict no significant impact on normal splicing. However, these predictions have yet to be confirmed by functional studies. The variant allele was found at a frequency of 4.1e-06 in 244382 control chromosomes. The available data on variant occurrences in the general population are insufficient to allow any conclusion about variant significance. To our knowledge, no occurrence of c.300+5_300+6dupGC in individuals affected with HNRNPA2B1-Related Disorders and no experimental evidence demonstrating its impact on protein function have been reported. No submitters have cited clinical-significance assessments for this variant to ClinVar. Based on the evidence outlined above, the variant was classified as uncertain significance.